The following is an entry in ClinVar:

NM_001033047.3(NPNT):c.467C>T (p.Pro156Leu)

Gene: NPNT (nephronectin; plus strand). Cytogenetic location: 4q24.
Variant type: single nucleotide variant.
Coding change: c.467C>T on transcript NM_001033047.3 (MANE Select); coding-DNA position 467, C replaced by T.
Protein change: p.Pro156Leu; replaces proline 156 with leucine.
Molecular consequence: missense variant.
Genome position (GRCh38, 1-based): chr4:105,938,382, C>T. VCF-style: chr4-105938382-C-T. GRCh37 (hg19) VCF-style: chr4-106859539-C-T.
Other names: c.518C>T, p.Pro173Leu (NM_001184690.2); c.557C>T, p.Pro186Leu (NM_001184691.2, NM_001184693.2); c.467C>T, p.Pro156Leu (NM_001184692.2); short protein forms P156L, P173L, P186L.
Identifiers: ClinVar variation 2655006 (VCV002655006.24), dbSNP rs116477289, ClinGen allele CA3034219.
Genomic context (GRCh38, chr4:105,938,382, plus strand): 5'-CAAACTGTCAGTATGGCTGTGATGTTGTTAAAGGACAAATACGGTGCCAGTGCCCATCCC[C>T]TGGCCTGCAGCTGGCTCCTGATGGGAGGACCTGTGTAGGTGAGTTGTAAAATCAAGCATC-3'
Protein context (NP_001028219.1, residues 146-166): KGQIRCQCPS[Pro156Leu]GLQLAPDGRT

ClinVar aggregate classification (germline): Likely benign (1 of 4 stars; one submission).

Allele frequency attached by ClinVar (database versions not stated): gnomAD exomes 0.00023; ExAC 0.00068; gnomAD 0.00213; TOPMed 0.00228; 1000 Genomes Project 0.00240; 1000 Genomes Project 30x 0.00297; ESP Exome Variant Server 0.00308.
gnomAD v4.1: 670 of 1,613,722 alleles (0.042%); highest among the groups gnomAD compares: African/African-American, 0.72%; 3 homozygotes.

Submission:

CeGaT Center for Human Genetics Tuebingen
Classification: Likely benign. Last evaluated: 2023-03-01. Review status: criteria provided, single submitter. Criteria: CeGaT Center For Human Genetics Tuebingen Variant Classification Criteria Version 2. Collection method: clinical testing. Allele origin: germline. Affected: yes. Observed: 1 variant allele.
Comment: NPNT: BS2